The following is an entry in ClinVar:

NM_014975.3(MAST1):c.16T>G (p.Trp6Gly)

Genes: MAST1 (microtubule associated serine/threonine kinase 1; plus strand), LOC130063671 (ATAC-STARR-seq lymphoblastoid silent region 10178; plus strand). Cytogenetic location: 19p13.13.
Variant type: single nucleotide variant.
Coding change: c.16T>G on transcript NM_014975.3 (MANE Select); coding-DNA position 16, T replaced by G.
Protein change: p.Trp6Gly; replaces tryptophan 6 with glycine.
Molecular consequence: missense variant.
Genome position (GRCh38, 1-based): chr19:12,838,588, T>G. VCF-style: chr19-12838588-T-G. GRCh37 (hg19) VCF-style: chr19-12949402-T-G.
Other names: short protein forms W6G.
Identifiers: ClinVar variation 4823629 (VCV004823629.4).

ClinVar aggregate classification (germline): Likely benign (1 of 4 stars; one submission).

Submission:

CeGaT Center for Human Genetics Tuebingen
Classification: Likely benign. Last evaluated: 2026-03-01. Review status: criteria provided, single submitter. Criteria: CeGaT Center For Human Genetics Tuebingen Variant Classification Criteria Version 2. Collection method: clinical testing. Allele origin: germline. Affected: yes. Observed: 1 variant allele.
Comment: MAST1: BS1